The following is an entry in ClinVar:

ClinVar aggregate classification (germline): Uncertain significance (1 of 4 stars; one submission).

Conditions:
Hereditary cancer-predisposing syndrome. Also called: Neoplastic Syndromes, Hereditary; Tumor predisposition; Hereditary Cancer Syndrome; Hereditary neoplastic syndrome. Identifiers: Orphanet 140162, MedGen C0027672, MeSH D009386, MONDO:0015356.

Submission:

Ambry Genetics
Classification: Uncertain significance for Hereditary cancer-predisposing syndrome. Last evaluated: 2019-12-03. Review status: criteria provided, single submitter. Criteria: Ambry Variant Classification Scheme 2023. Collection method: clinical testing. Allele origin: germline.
Comment: The p.Q731H variant (also known as c.2193A>C), located in coding exon 4 of the MSH6 gene, results from an A to C substitution at nucleotide position 2193. The glutamine at codon 731 is replaced by histidine, an amino acid with highly similar properties. This amino acid position is not well conserved in available vertebrate species. In addition, the in silico prediction for this alteration is inconclusive. Since supporting evidence is limited at this time, the clinical significance of this alteration remains unclear.

NM_000179.3(MSH6):c.2193A>C (p.Gln731His)

Gene: MSH6 (mutS homolog 6; plus strand). Cytogenetic location: 2p16.3.
Variant type: single nucleotide variant.
Coding change: c.2193A>C on transcript NM_000179.3 (MANE Select); coding-DNA position 2193, A replaced by C.
Protein change: p.Gln731His; replaces glutamine 731 with histidine.
Molecular consequence: missense variant.
Genome position (GRCh38, 1-based): chr2:47,800,176, A>C. VCF-style: chr2-47800176-A-C. GRCh37 (hg19) VCF-style: chr2-48027315-A-C.
Other names: c.1803A>C, p.Gln601His (NM_001281492.2); c.1287A>C, p.Gln429His (NM_001281493.2, NM_001281494.2, NM_001406811.1 and 6 more transcripts); c.2289A>C, p.Gln763His (NM_001406795.1, NM_001406802.1); c.2193A>C, p.Gln731His (NM_001406796.1, NM_001406798.1, NM_001406800.1 and 3 more transcripts); c.1896A>C, p.Gln632His (NM_001406797.1, NM_001406801.1, NM_001406805.1 and 10 more transcripts); c.1668A>C, p.Gln556His (NM_001406799.1, NM_001406806.1, NM_001406807.1); c.2115A>C, p.Gln705His (NM_001406804.1); c.2199A>C, p.Gln733His (NM_001406813.1); and 1 more; short protein forms Q556H, Q601H, Q632H, Q675H, Q429H, Q705H, Q731H, Q733H.
Identifiers: ClinVar variation 1787446 (VCV001787446.2), dbSNP rs1055190211, ClinGen allele CA346751301.